The following is an entry in ClinVar:

ClinVar aggregate classification (germline): Pathogenic (1 of 4 stars; one submission).

Conditions:
Dilated cardiomyopathy 2A (CMD2A). Also called: CARDIOMYOPATHY, CONGESTIVE, AUTOSOMAL RECESSIVE; CARDIOMYOPATHY, DILATED, AUTOSOMAL RECESSIVE. Identifiers: Orphanet 154, MedGen C2678474, MONDO:0012746, OMIM 611880.

Submission:

3billion
Classification: Pathogenic for Dilated cardiomyopathy 2A. Last evaluated: 2023-07-31. Review status: criteria provided, single submitter. Criteria: ACMG Guidelines, 2015. Collection method: clinical testing. Allele origin: germline. Affected: yes.
Comment: The variant is not observed in the gnomAD v2.1.1 dataset. Predicted Consequence/Location: Stop-gained (nonsense): predicted to result in a loss or disruption of normal protein function through nonsense-mediated decay (NMD) or protein truncation. Multiple pathogenic variants are reported downstream of the variant. Therefore, this variant is classified as Likely Pathogenic according to the recommendation of ACMG/AMP guideline.

NM_000363.5(TNNI3):c.295C>T (p.Gln99Ter)

Gene: TNNI3 (troponin I3, cardiac type; minus strand). Cytogenetic location: 19q13.42.
Variant type: single nucleotide variant.
Coding change: c.295C>T on transcript NM_000363.5 (MANE Select); coding-DNA position 295, C replaced by T.
Protein change: p.Gln99Ter; replaces glutamine 99 with a stop codon.
Molecular consequence: nonsense.
Genome position (GRCh38, 1-based): chr19:55,154,818, G>A on the plus strand (C>T on the coding strand, the complement: TNNI3 is on the minus strand). VCF-style: chr19-55154818-G-A. GRCh37 (hg19) VCF-style: chr19-55666186-G-A.
Other names: short protein forms Q99*.
Identifiers: ClinVar variation 3775215 (VCV003775215.1).